The following is an entry in ClinVar:

ClinVar aggregate classification (germline): Pathogenic (1 of 4 stars; one submission).

Conditions:
Clark-Baraitser syndrome. Also called: BARAITSER SYNDROME; Mental retardation, tall stature, obesity, macrocephaly and typical facial features; MENTAL RETARDATION, AUTOSOMAL DOMINANT 49; Intellectual disability, autosomal dominant 49. Identifiers: Orphanet 600731, MedGen C2931130, MONDO:0030914, OMIM 617752.

Submission:

Centre for Mendelian Genomics, University Medical Centre Ljubljana
Classification: Pathogenic for Clark-Baraitser syndrome. Last evaluated: 2016-01-01. Review status: criteria provided, single submitter. Criteria: ACMG Guidelines, 2015. Collection method: clinical testing. Allele origin: unknown. Affected: yes.
Comment: This variant was classified as: Pathogenic. The following ACMG criteria were applied in classifying this variant: PVS1,PM2,PM6.

NM_001348323.3(TRIP12):c.4368dup (p.Asn1457fs)

Gene: TRIP12 (thyroid hormone receptor interactor 12; minus strand). Cytogenetic location: 2q36.3.
Variant type: Duplication.
Coding change: c.4368dup on transcript NM_001348323.3 (MANE Select); coding-DNA position 4368, one base duplicated (C; older notation c.4368dupC).
Protein change: p.Asn1457fs; shifts the reading frame from asparagine 1457.
Molecular consequence: frameshift variant.
Genome position (GRCh38, 1-based): chr2:229,791,913, G duplicated on the plus strand (C on the coding strand, the reverse complement: TRIP12 is on the minus strand). VCF-style (leftmost placement, unchanged base first): chr2-229791912-T-TG. GRCh37 (hg19) VCF-style: chr2-230656628-T-TG.
Other names: c.4287dup, p.Asn1430fs (NM_001284214.2, NM_001348315.2); c.4242dup, p.Asn1415fs (NM_001284215.2, NM_001348316.2); c.3333dup, p.Asn1112fs (NM_001284216.2); c.4227dup, p.Asn1410fs (NM_001348317.1, NM_001348318.2); c.4353dup, p.Asn1452fs (NM_001348319.1, NM_001348320.2); c.4356dup, p.Asn1453fs (NM_001348321.1); c.4368dup, p.Asn1457fs (NM_001348322.1, NM_001348324.2, NM_001348325.2 and 2 more transcripts); c.4371dup, p.Asn1458fs (NM_001348328.1, NM_001348329.2, NM_001348330.2); and 4 more; short protein forms N1410fs, N1423fs, N1382fs, N1415fs, N1430fs, N1452fs, N1453fs, N1457fs.
Identifiers: ClinVar variation 931032 (VCV000931032.3), dbSNP rs2041642562, ClinGen allele CA1139657767.
Genomic context (GRCh38, chr2:229,791,912, plus strand): 5'-ATTTTCAGACTTGCCATATTGTATGAGTCTTTGTCCAAATACCAGCTCTGCCTAGAGGAT[T>TG]GCTCTCATCATCTGTGGATTCTCTTTCATCTTCAGCCTGTATACTAAACTGCCGTACTGC-3'